The following is an entry in ClinVar:

NM_000318.3(PEX2):c.414_426dup (p.Ile143fs)

Gene: PEX2 (peroxisomal biogenesis factor 2; minus strand). Cytogenetic location: 8q21.13.
Variant type: Duplication.
Coding change: c.414_426dup on transcript NM_000318.3 (MANE Select); coding-DNA positions 414 to 426, 13 bases duplicated (TGTGAATTTTGTG).
Protein change: p.Ile143fs; shifts the reading frame from isoleucine 143.
Molecular consequence: frameshift variant.
Genome position (GRCh38, 1-based): chr8:76,983,753-76,983,765, CACAAAATTCACA duplicated on the plus strand (TGTGAATTTTGTG on the coding strand, the reverse complement: PEX2 is on the minus strand); duplicating any 13 consecutive bases within chr8:76,983,753-76,983,768 gives the same sequence; the c. name uses the placement nearest the transcript's 3' end. VCF-style (leftmost placement, unchanged base first): chr8-76983752-T-TCACAAAATTCACA. GRCh37 (hg19) VCF-style: chr8-77895988-T-TCACAAAATTCACA.
Other names: c.414_426dup, p.Ile143fs (NM_001079867.2, NM_001172086.2, NM_001172087.2); short protein forms I143fs.
Identifiers: ClinVar variation 2019116 (VCV002019116.4), dbSNP rs2487452268, ClinGen allele CA2580078956.

ClinVar aggregate classification (germline): Pathogenic (1 of 4 stars; one submission).

Conditions:
Peroxisome biogenesis disorder 5A (Zellweger) (PBD5A). Identifiers: Orphanet 912, MedGen C3553940, MONDO:0013932, OMIM 614866.

Submission:

Labcorp Genetics (formerly Invitae), Labcorp
Classification: Pathogenic for Peroxisome biogenesis disorder 5A (Zellweger). Last evaluated: 2022-07-23. Review status: criteria provided, single submitter. Criteria: Invitae Variant Classification Sherloc (09022015). Collection method: clinical testing. Allele origin: germline.
Comment: For these reasons, this variant has been classified as Pathogenic. This variant disrupts a region of the PEX2 protein in which other variant(s) (p.Lys215Serfs*2) have been determined to be pathogenic (PMID: 10652207; Invitae). This suggests that this is a clinically significant region of the protein, and that variants that disrupt it are likely to be disease-causing. This variant has not been reported in the literature in individuals affected with PEX2-related conditions. This variant is not present in population databases (gnomAD no frequency). This sequence change creates a premature translational stop signal (p.Ile143Cysfs*15) in the PEX2 gene. While this is not anticipated to result in nonsense mediated decay, it is expected to disrupt the last 163 amino acid(s) of the PEX2 protein.

Literature cited by the submitters: PubMed 10652207.